The following is an entry in ClinVar:

ClinVar aggregate classification (germline): Uncertain significance (1 of 4 stars; one submission).

Submission:

Labcorp Genetics (formerly Invitae), Labcorp
Classification: Uncertain significance. Last evaluated: 2025-07-13. Review status: criteria provided, single submitter. Criteria: Invitae Variant Classification Sherloc (09022015). Collection method: clinical testing. Allele origin: germline.
Comment: This sequence change falls in intron 14 of the DSG4 gene. It does not directly change the encoded amino acid sequence of the DSG4 protein. It affects a nucleotide within the consensus splice site. This variant is not present in population databases (gnomAD no frequency). This variant has been observed in individual(s) with hypotrichosis (internal data). Variants that disrupt the consensus splice site are a relatively common cause of aberrant splicing (PMID: 17576681, 9536098). Algorithms developed to predict the effect of sequence changes on RNA splicing suggest that this variant may disrupt the consensus splice site. In summary, the available evidence is currently insufficient to determine the role of this variant in disease. Therefore, it has been classified as a Variant of Uncertain Significance.

Literature cited by the submitters: PubMed 17576681; PubMed 9536098.

NM_177986.5(DSG4):c.2137+5G>A

Genes: DSG1-AS1 (DSG1 antisense RNA 1; minus strand), DSG4 (desmoglein 4; plus strand). Cytogenetic location: 18q12.1.
Variant type: single nucleotide variant.
Coding change: c.2137+5G>A on transcript NM_177986.5 (MANE Select); 5 bases into the intron after coding-DNA position 2137, G replaced by A.
Molecular consequence: intron variant.
Genome position (GRCh38, 1-based): chr18:31,409,813, G>A. VCF-style: chr18-31409813-G-A. GRCh37 (hg19) VCF-style: chr18-28989776-G-A.
Other names: c.2073+222G>A (NM_001134453.3).
Identifiers: ClinVar variation 4808593 (VCV004808593.1).